The following is an entry in ClinVar:

ClinVar aggregate classification (germline): Uncertain significance (1 of 4 stars; one submission).

Submission:

GeneDx
Classification: Uncertain significance. Last evaluated: 2024-10-22. Review status: criteria provided, single submitter. Criteria: GeneDx Variant Classification Process June 2021. Collection method: clinical testing. Allele origin: germline. Affected: yes.
Comment: Not observed at significant frequency in large population cohorts (gnomAD); In silico analysis indicates that this missense variant does not alter protein structure/function; Has not been previously published as pathogenic or benign to our knowledge

NM_003000.3(SDHB):c.370G>T (p.Val124Phe)

Gene: SDHB (succinate dehydrogenase complex iron sulfur subunit B; minus strand). Cytogenetic location: 1p36.13.
Variant type: single nucleotide variant.
Coding change: c.370G>T on transcript NM_003000.3 (MANE Select); coding-DNA position 370, G replaced by T.
Protein change: p.Val124Phe; replaces valine 124 with phenylalanine.
Molecular consequence: missense variant. On other transcripts: splice donor variant (1).
Genome position (GRCh38, 1-based): chr1:17,028,653, C>A on the plus strand (G>T on the coding strand, the complement: SDHB is on the minus strand). VCF-style: chr1-17028653-C-A. GRCh37 (hg19) VCF-style: chr1-17355148-C-A.
Other names: c.369+1G>T (NM_001407361.1); short protein forms V124F.
Identifiers: ClinVar variation 3893533 (VCV003893533.1).